The following is an entry in ClinVar:

ClinVar aggregate classification (germline): Uncertain significance (1 of 4 stars; one submission).

gnomAD v4.1: 1 of 1,611,702 alleles (0.000062%); highest among the groups gnomAD compares: Non-Finnish European, 0.000085%; no homozygotes.

Submission:

Labcorp Genetics (formerly Invitae), Labcorp
Classification: Uncertain significance. Last evaluated: 2022-10-19. Review status: criteria provided, single submitter. Criteria: Invitae Variant Classification Sherloc (09022015). Collection method: clinical testing. Allele origin: germline.
Comment: This sequence change replaces histidine, which is basic and polar, with arginine, which is basic and polar, at codon 860 of the CEP97 protein (p.His860Arg). In summary, the available evidence is currently insufficient to determine the role of this variant in disease. Therefore, it has been classified as a Variant of Uncertain Significance. Algorithms developed to predict the effect of missense changes on protein structure and function (SIFT, PolyPhen-2, Align-GVGD) all suggest that this variant is likely to be tolerated. This variant has not been reported in the literature in individuals affected with CEP97-related conditions. This variant is not present in population databases (gnomAD no frequency).

NM_024548.4(CEP97):c.2579A>G (p.His860Arg)

Gene: CEP97 (centrosomal protein 97; plus strand). Cytogenetic location: 3q12.3.
Variant type: single nucleotide variant.
Coding change: c.2579A>G on transcript NM_024548.4 (MANE Select); coding-DNA position 2579, A replaced by G.
Protein change: p.His860Arg; replaces histidine 860 with arginine.
Molecular consequence: missense variant.
Genome position (GRCh38, 1-based): chr3:101,765,532, A>G. VCF-style: chr3-101765532-A-G. GRCh37 (hg19) VCF-style: chr3-101484376-A-G.
Other names: c.2402A>G, p.His801Arg (NM_001303401.2); c.2477A>G, p.His826Arg (NM_001410784.1); c.2300A>G, p.His767Arg (NM_001410785.1); short protein forms H860R, H801R, H767R, H826R.
Identifiers: ClinVar variation 2186727 (VCV002186727.4), dbSNP rs768981070, ClinGen allele CA353883018.